The following is an entry in ClinVar:

NM_002500.5(NEUROD1):c.590C>A (p.Pro197His)

Gene: NEUROD1 (neuronal differentiation 1; minus strand). Cytogenetic location: 2q31.3.
Variant type: single nucleotide variant.
Coding change: c.590C>A on transcript NM_002500.5 (MANE Select); coding-DNA position 590, C replaced by A.
Protein change: p.Pro197His; replaces proline 197 with histidine.
Molecular consequence: missense variant.
Genome position (GRCh38, 1-based): chr2:181,678,271, G>T on the plus strand (C>A on the coding strand, the complement: NEUROD1 is on the minus strand). VCF-style: chr2-181678271-G-T. GRCh37 (hg19) VCF-style: chr2-182542998-G-T.
Other names: short protein forms P197H.
Identifiers: ClinVar variation 129763 (VCV000129763.25), dbSNP rs8192556, ClinGen allele CA154055.

ClinVar aggregate classification (germline): Conflicting classifications of pathogenicity. Review status: criteria provided, conflicting classifications (1 of 4 stars). 9 submissions from 9 submitters: Uncertain significance (1); Benign (8). Last evaluated 2026-02-03.

Conditions:
Hypoinsulinemia. Identifiers: MedGen C2748055, HP:0040216.
Maturity-onset diabetes of the young type 6 (MODY6). Identifiers: Orphanet 552, MedGen C1853371, MONDO:0011668, OMIM 606394.
Monogenic diabetes. Identifiers: Orphanet 183625, MedGen C3888631, MONDO:0015967.

Allele frequency attached by ClinVar (database versions not stated): 1000 Genomes Project 30x 0.00890; 1000 Genomes Project 0.00958; gnomAD 0.01580 and 0.01596; TOPMed 0.01616; ExAC 0.01896; ESP Exome Variant Server 0.01930; gnomAD exomes 0.01931 and 0.02240.
gnomAD v4.1: 35,243 of 1,614,140 alleles (2.2%); highest among the groups gnomAD compares: Middle Eastern, 3.9%; 445 homozygotes.

Submissions (9):

Labcorp Genetics (formerly Invitae), Labcorp
Classification: Benign. Last evaluated: 2026-02-03. Review status: criteria provided, single submitter. Criteria: Invitae Variant Classification Sherloc (09022015). Collection method: clinical testing. Allele origin: germline.

ARUP Laboratories, Molecular Genetics and Genomics, ARUP Laboratories
Classification: Benign. Last evaluated: 2025-06-08. Review status: criteria provided, single submitter. Criteria: ARUP Molecular Germline Variant Investigation Process 2024. Collection method: clinical testing. Allele origin: germline.

Blueprint Genetics
Classification: Benign. Last evaluated: 2024-11-26. Review status: criteria provided, single submitter. Criteria: ACMG Guidelines, 2015. Collection method: clinical testing. Allele origin: germline.

GeneDx
Classification: Benign. Last evaluated: 2019-11-01. Review status: criteria provided, single submitter. Criteria: GeneDx Variant Classification Process June 2021. Collection method: clinical testing. Allele origin: germline. Affected: yes.
Comment: This variant is associated with the following publications: (PMID: 30259503, 31578821)

Personalized Diabetes Medicine Program, University of Maryland School of Medicine
Classification: Benign for Monogenic diabetes. Last evaluated: 2019-01-25. Review status: criteria provided, single submitter. Criteria: ACMG Guidelines, 2015. Collection method: research. Allele origin: unknown. Observed: 24 variant alleles, 24 heterozygotes.
Comment: ACMG criteria: BA1 (1.9% overall MAF in gnomAD), BS2 (429 cases and 438 Controls in T2DM)= benign; REVEL 0.211 +BP4/4 predictors + PP3/6 predictors= conflicting evidence, not using

Illumina Laboratory Services, Illumina
Classification: Benign for Maturity-onset diabetes of the young type 6. Last evaluated: 2018-01-12. Review status: criteria provided, single submitter. Criteria: ICSL Variant Classification Criteria 13 December 2019. Collection method: clinical testing. Allele origin: germline.
Comment: This variant was observed in the ICSL laboratory as part of a predisposition screen in an ostensibly healthy population. It had not been previously curated by ICSL or reported in the Human Gene Mutation Database (HGMD: prior to June 1st, 2018), and was therefore a candidate for classification through an automated scoring system. Utilizing variant allele frequency, disease prevalence and penetrance estimates, and inheritance mode, an automated score was calculated to assess if this variant is too frequent to cause the disease. Based on the score and internal cut-off values, a variant classified as benign is not then subjected to further curation. The score for this variant resulted in a classification of benign for this disease.

Genetic Services Laboratory, University of Chicago
Classification: Benign for AllHighlyPenetrant. Last evaluated: 2013-03-08. Review status: criteria provided, single submitter. Criteria: ACMG Guidelines, 2007. Collection method: clinical testing. Allele origin: germline. Inheritance: Autosomal dominant inheritance.

Clinical Genomics, Uppaluri K&H Personalized Medicine Clinic
Classification: Uncertain significance for Hypoinsulinemia. Review status: criteria provided, single submitter. Criteria: K&H Uppaluri Personalized Medicine Clinic Variant Classification & Assertion Criteria. Collection method: research. Allele origin: somatic.
Comment: The role of NEUROD1 gene is known to be associated with neonatal onset diabetes due to pancreatic aplasia, leading to insulin dependence. It is associated with extra pancreatic manifestation of neurological impairment. However, no sufficient evidence is found to ascertain the role of rs8192556 variant in Diabetes Mellitus yet.

PreventionGenetics, part of Exact Sciences
Classification: Benign. Review status: criteria provided, single submitter. Criteria: ACMG Guidelines, 2015. Collection method: clinical testing. Allele origin: germline.

Literature cited by the submitters: PubMed 12639765 (cited by Clinical Genomics, Uppaluri K&H Personalized Medicine Clinic); PubMed 27420379 (cited by Clinical Genomics, Uppaluri K&H Personalized Medicine Clinic).